The following is an entry in ClinVar:

ClinVar aggregate classification (germline): Likely benign. Review status: criteria provided, multiple submitters, no conflicts (2 of 4 stars). 2 submissions from 2 submitters: Likely benign (2). Last evaluated 2026-05-07.

Conditions:
TECPR2-related disorder. Also called: TECPR2-related condition.
Hereditary spastic paraplegia 49 (HSAN9). Also called: Spastic paraplegia 49, autosomal recessive; TECPR2-Related Hereditary Sensory and Autonomic Neuropathy with Intellectual Disability; NEUROPATHY, HEREDITARY SENSORY AND AUTONOMIC, TYPE IX, WITH DEVELOPMENTAL DELAY. Identifiers: Orphanet 320385, MedGen C5190860, MONDO:0014016, OMIM 615031.

Allele frequency attached by ClinVar (database versions not stated): TOPMed below 0.00001; gnomAD 0.00001.
gnomAD v4.1: 2 of 1,543,504 alleles (0.00013%); highest among the groups gnomAD compares: Non-Finnish European, 0.00018%; no homozygotes.

Submissions (2):

PreventionGenetics, part of Exact Sciences
Classification: Likely benign for TECPR2-related condition. Last evaluated: 2026-05-07. Review status: criteria provided, single submitter. Criteria: ACMG Guidelines, 2015. Collection method: clinical testing. Allele origin: germline.
Comment: This variant is classified as likely benign based on ACMG/AMP sequence variant interpretation guidelines (Richards et al. 2015 PMID: 25741868, with internal and published modifications).

Labcorp Genetics (formerly Invitae), Labcorp
Classification: Likely benign for Hereditary spastic paraplegia 49. Last evaluated: 2019-03-01. Review status: criteria provided, single submitter. Criteria: Invitae Variant Classification Sherloc (09022015). Collection method: clinical testing. Allele origin: germline.

NM_014844.5(TECPR2):c.1085-4T>G

Gene: TECPR2 (tectonin beta-propeller repeat containing 2; plus strand). Cytogenetic location: 14q32.31.
Variant type: single nucleotide variant.
Coding change: c.1085-4T>G on transcript NM_014844.5 (MANE Select); 4 bases into the intron before coding-DNA position 1085, T replaced by G.
Molecular consequence: intron variant.
Genome position (GRCh38, 1-based): chr14:102,431,792, T>G. VCF-style: chr14-102431792-T-G. GRCh37 (hg19) VCF-style: chr14-102898129-T-G.
Other names: c.1085-4T>G (NM_001172631.3, NM_014844.4).
Identifiers: ClinVar variation 1099737 (VCV001099737.10), dbSNP rs1363586320, ClinGen allele CA703210345.